The following is an entry in ClinVar:

ClinVar aggregate classification (germline): Uncertain significance (1 of 4 stars; one submission).

Conditions:
Amyotrophic lateral sclerosis (ALS). Also called: Lou Gehrig disease; Charcot disease. Identifiers: Orphanet 803, MedGen C0002736, MONDO:0004976, HP:0007354.

Submission:

Department of Neurology, Brain Research Institute, Niigata University
Classification: Uncertain significance for Amyotrophic lateral sclerosis. Last evaluated: 2026-09-21. Review status: criteria provided, single submitter. Criteria: ACMG Guidelines, 2015. Collection method: research. Allele origin: unknown. Affected: yes.
Comment: Missense variant in MATR3 that has a low rate of benign missense variation and where missense variants are a common mechanism of disease (GnomAD missense Z-score for MATR3 is 3.95) (PP2).

NM_018834.6(MATR3):c.2051T>C (p.Leu684Ser)

Genes: MATR3 (matrin 3; plus strand), LOC126807526 (CDK7 strongly-dependent group 2 enhancer GRCh37_chr5:138657767-138658966; plus strand). Cytogenetic location: 5q31.2.
Variant type: single nucleotide variant.
Coding change: c.2051T>C on transcript NM_018834.6 (MANE Select); coding-DNA position 2051, T replaced by C.
Protein change: p.Leu684Ser; replaces leucine 684 with serine.
Molecular consequence: missense variant.
Genome position (GRCh38, 1-based): chr5:139,322,870, T>C. VCF-style: chr5-139322870-T-C. GRCh37 (hg19) VCF-style: chr5-138658559-T-C.
Other names: c.1037T>C, p.Leu346Ser (NM_001400464.1, NM_001400465.1, NM_001400466.1 and 5 more transcripts); c.2051T>C, p.Leu684Ser (NM_199189.3, NM_001194954.2, NM_001194955.2 and 16 more transcripts); c.1187T>C, p.Leu396Ser (NM_001194956.2); c.1190T>C, p.Leu397Ser (NM_001400459.1); c.1151T>C, p.Leu384Ser (NM_001400461.1); short protein forms L346S, L384S, L396S, L397S, L684S.
Identifiers: ClinVar variation 4820033 (VCV004820033.2).